The following continues an entry in ClinVar:

NM_001848.3(COL6A1):c.1814-6C>G

Gene: COL6A1. ClinVar aggregate classification (germline): Benign. Benign (9).

Submissions 32 to 41 of 41:

Dr. Peter K. Rogan Lab, Western University
No classification provided (evidence only). Condition: Cholangiocarcinoma. Review status: no classification provided. Collection method: in vitro. Allele origin: not applicable. Functional consequence: skipped exon, retained intron. Not counted in ClinVar's aggregate classification.

Dr. Peter K. Rogan Lab, Western University
No classification provided (evidence only). Condition: Ovarian serous cystadenocarcinoma. Review status: no classification provided. Collection method: in vitro. Allele origin: not applicable. Functional consequence: retained intron. Not counted in ClinVar's aggregate classification.

Dr. Peter K. Rogan Lab, Western University
No classification provided (evidence only). Condition: Ovarian serous cystadenocarcinoma. Review status: no classification provided. Collection method: in vitro. Allele origin: not applicable. Functional consequence: retained intron. Not counted in ClinVar's aggregate classification.

Dr. Peter K. Rogan Lab, Western University
No classification provided (evidence only). Condition: Gastric cancer. Review status: no classification provided. Collection method: in vitro. Allele origin: not applicable. Functional consequence: retained intron. Not counted in ClinVar's aggregate classification.

Dr. Peter K. Rogan Lab, Western University
No classification provided (evidence only). Condition: Uveal melanoma. Review status: no classification provided. Collection method: in vitro. Allele origin: not applicable. Functional consequence: retained intron. Not counted in ClinVar's aggregate classification.

Dr. Peter K. Rogan Lab, Western University
No classification provided (evidence only). Condition: Malignant tumor of esophagus. Review status: no classification provided. Collection method: in vitro. Allele origin: not applicable. Functional consequence: retained intron. Not counted in ClinVar's aggregate classification.

Dr. Peter K. Rogan Lab, Western University
No classification provided (evidence only). Condition: Malignant tumor of esophagus. Review status: no classification provided. Collection method: in vitro. Allele origin: not applicable. Functional consequence: retained intron. Not counted in ClinVar's aggregate classification.

Genetic Services Laboratory, University of Chicago
Classification: Likely benign for AllHighlyPenetrant. Review status: no assertion criteria provided. Collection method: clinical testing. Allele origin: germline. Not counted in ClinVar's aggregate classification.
Comment: Likely benign based on allele frequency in 1000 Genomes Project or ESP global frequency and its presence in a patient with a rare or unrelated disease phenotype. NOT Sanger confirmed.

Genome Diagnostics Laboratory, University Medical Center Utrecht
Classification: Benign. Review status: no assertion criteria provided. Collection method: clinical testing. Allele origin: germline. Affected: yes. Study: VKGL Data-share Consensus. Not counted in ClinVar's aggregate classification.

Laboratory of Diagnostic Genome Analysis, Leiden University Medical Center (LUMC)
Classification: Likely benign. Review status: no assertion criteria provided. Collection method: clinical testing. Allele origin: germline. Affected: yes. Study: VKGL Data-share Consensus. Not counted in ClinVar's aggregate classification.